The following is an entry in ClinVar:

ClinVar aggregate classification (germline): Uncertain significance (1 of 4 stars; one submission).

Conditions:
Hypertrophic cardiomyopathy. Also called: HYPERTROPHIC MYOCARDIOPATHY. Identifiers: Orphanet 217569, MedGen C0007194, MeSH D002312, MONDO:0005045, HP:0001639.

Submission:

Labcorp Genetics (formerly Invitae), Labcorp
Classification: Uncertain significance for Hypertrophic cardiomyopathy. Last evaluated: 2018-09-24. Review status: criteria provided, single submitter. Criteria: Invitae Variant Classification Sherloc (09022015). Collection method: clinical testing. Allele origin: germline.
Comment: In summary, the available evidence is currently insufficient to determine the role of this variant in disease. Therefore, it has been classified as a Variant of Uncertain Significance. The current clinical and genetic evidence is not sufficient to establish whether loss-of-function variants in MYL3 cause disease. This variant has not been reported in the literature in individuals with MYL3-related disease. This variant results in a copy number gain of the genomic region encompassing exon 1 of the MYL3 gene. The 5' end of this event is unknown as it extends beyond the assayed region for this gene and therefore may encompass additional genes. The 3' boundary is likely confined to intron 1 of the MYL3 gene. As the precise location of this event is unknown, it may be in tandem or it may be located elsewhere in the genome.

NC_000003.11:g.(?_46904742)_(46904890_?)dup

Gene: MYL3 (myosin light chain 3; minus strand). Cytogenetic location: 3p21.31.
Variant type: Duplication.
Identifiers: ClinVar variation 654669 (VCV000654669.7).